The following is an entry in ClinVar:

ClinVar aggregate classification (germline): Uncertain significance (1 of 4 stars; one submission).

Conditions:
Frontotemporal dementia and/or amyotrophic lateral sclerosis 1 (FTDALS1). Also called: Frontotemporal dementia with motor neuron disease 1; C9orf72 Frontotemporal Dementia and/or Amyotrophic Lateral Sclerosis. Identifiers: Orphanet 275872, MedGen C5779877, MONDO:0007105, OMIM 105550.
Paget disease of bone 2, early-onset (PDB2). Also called: Paget disease of bone 2. Identifiers: MedGen C4085251, MONDO:0011183, OMIM 602080.

Submission:

Labcorp Genetics (formerly Invitae), Labcorp
Classification: Uncertain significance for Paget disease of bone 2, early-onset; Frontotemporal dementia and/or amyotrophic lateral sclerosis 1. Last evaluated: 2020-03-07. Review status: criteria provided, single submitter. Criteria: Invitae Variant Classification Sherloc (09022015). Collection method: clinical testing. Allele origin: germline.
Comment: In summary, the available evidence is currently insufficient to determine the role of this variant in disease. Therefore, it has been classified as a Variant of Uncertain Significance. Algorithms developed to predict the effect of missense changes on protein structure and function are either unavailable or do not agree on the potential impact of this missense change (SIFT: "Tolerated"; PolyPhen-2: "Probably Damaging"; Align-GVGD: "Class C0"). This variant has not been reported in the literature in individuals with SQSTM1-related disease. This variant is not present in population databases (ExAC no frequency). This sequence change replaces isoleucine with methionine at codon 127 of the SQSTM1 protein (p.Ile127Met). The isoleucine residue is moderately conserved and there is a small physicochemical difference between isoleucine and methionine.

NM_003900.5(SQSTM1):c.381C>G (p.Ile127Met)

Gene: SQSTM1 (sequestosome 1; plus strand). Cytogenetic location: 5q35.3.
Variant type: single nucleotide variant.
Coding change: c.381C>G on transcript NM_003900.5 (MANE Select); coding-DNA position 381, C replaced by G.
Protein change: p.Ile127Met; replaces isoleucine 127 with methionine.
Molecular consequence: missense variant.
Genome position (GRCh38, 1-based): chr5:179,823,937, C>G. VCF-style: chr5-179823937-C-G. GRCh37 (hg19) VCF-style: chr5-179250937-C-G.
Other names: c.129C>G, p.Ile43Met (NM_001142298.2, NM_001142299.2); short protein forms I43M, I127M.
Identifiers: ClinVar variation 641109 (VCV000641109.8), dbSNP rs1582007866, ClinGen allele CA362443613.